The following is an entry in ClinVar:

ClinVar aggregate classification (germline): Uncertain significance (1 of 4 stars; one submission).

Conditions:
Shprintzen-Goldberg syndrome (SGS). Also called: Marfanoid disorder with craniosynostosis type 1; Marfanoid craniosynostosis syndrome; Shprintzen-Goldberg marfanoid syndrome; SHPRINTZEN-GOLDBERG CRANIOSYNOSTOSIS SYNDROME; CRANIOSYNOSTOSIS WITH ARACHNODACTYLY AND ABDOMINAL HERNIAS. Identifiers: Orphanet 2462, MedGen C1321551, MONDO:0008426, OMIM 182212.

Submission:

Labcorp Genetics (formerly Invitae), Labcorp
Classification: Uncertain significance for Shprintzen-Goldberg syndrome. Last evaluated: 2024-05-23. Review status: criteria provided, single submitter. Criteria: Invitae Variant Classification Sherloc (09022015). Collection method: clinical testing. Allele origin: germline.
Comment: This sequence change replaces arginine, which is basic and polar, with tryptophan, which is neutral and slightly polar, at codon 613 of the SKI protein (p.Arg613Trp). This variant is not present in population databases (gnomAD no frequency). This variant has not been reported in the literature in individuals affected with SKI-related conditions. Advanced modeling of protein sequence and biophysical properties (such as structural, functional, and spatial information, amino acid conservation, physicochemical variation, residue mobility, and thermodynamic stability) performed at Invitae indicates that this missense variant is not expected to disrupt SKI protein function with a negative predictive value of 95%. In summary, the available evidence is currently insufficient to determine the role of this variant in disease. Therefore, it has been classified as a Variant of Uncertain Significance.

NM_003036.4(SKI):c.1837C>T (p.Arg613Trp)

Gene: SKI (SKI proto-oncogene; plus strand). Cytogenetic location: 1p36.32.
Variant type: single nucleotide variant.
Coding change: c.1837C>T on transcript NM_003036.4 (MANE Select); coding-DNA position 1837, C replaced by T.
Protein change: p.Arg613Trp; replaces arginine 613 with tryptophan.
Molecular consequence: missense variant.
Genome position (GRCh38, 1-based): chr1:2,306,089, C>T. VCF-style: chr1-2306089-C-T. GRCh37 (hg19) VCF-style: chr1-2237528-C-T.
Other names: short protein forms R613W.
Identifiers: ClinVar variation 3640263 (VCV003640263.2).